The following is an entry in ClinVar:

NM_032043.3(BRIP1):c.1669T>C (p.Ser557Pro)

Gene: BRIP1 (BRCA1 interacting DNA helicase 1; minus strand). Cytogenetic location: 17q23.2.
Variant type: single nucleotide variant.
Coding change: c.1669T>C on transcript NM_032043.3 (MANE Select); coding-DNA position 1669, T replaced by C.
Protein change: p.Ser557Pro; replaces serine 557 with proline.
Molecular consequence: missense variant.
Genome position (GRCh38, 1-based): chr17:61,780,965, A>G on the plus strand (T>C on the coding strand, the complement: BRIP1 is on the minus strand). VCF-style: chr17-61780965-A-G. GRCh37 (hg19) VCF-style: chr17-59858326-A-G.
Other names: short protein forms S557P.
Identifiers: ClinVar variation 1521006 (VCV001521006.9), dbSNP rs2145096206, ClinGen allele CA400480505.

ClinVar aggregate classification (germline): Uncertain significance (1 of 4 stars; one submission).

Conditions:
Fanconi anemia complementation group J. Also called: BRIP1-Related Fanconi Anemia. Identifiers: Orphanet 84, MedGen C1836860, MONDO:0012187, OMIM 609054.
Familial cancer of breast. Also called: Hereditary breast cancer; BREAST CANCER, FAMILIAL; hereditary breast carcinoma. Identifiers: Orphanet 227535, MedGen C0346153, MONDO:0016419, OMIM 114480. Disease mechanism: loss of function.

Submission:

Labcorp Genetics (formerly Invitae), Labcorp
Classification: Uncertain significance for Familial cancer of breast; Fanconi anemia complementation group J. Last evaluated: 2021-04-23. Review status: criteria provided, single submitter. Criteria: Invitae Variant Classification Sherloc (09022015). Collection method: clinical testing. Allele origin: germline.
Comment: This sequence change replaces serine with proline at codon 557 of the BRIP1 protein (p.Ser557Pro). The serine residue is moderately conserved and there is a moderate physicochemical difference between serine and proline. This variant is not present in population databases (ExAC no frequency). In summary, the available evidence is currently insufficient to determine the role of this variant in disease. Therefore, it has been classified as a Variant of Uncertain Significance. Algorithms developed to predict the effect of missense changes on protein structure and function are either unavailable or do not agree on the potential impact of this missense change (SIFT: "Tolerated"; PolyPhen-2: "Probably Damaging"; Align-GVGD: "Class C0"). This variant has not been reported in the literature in individuals with BRIP1-related conditions.